The following is an entry in ClinVar:

NM_000548.5(TSC2):c.351G>C (p.Gly117=)

Gene: TSC2 (TSC complex subunit 2; plus strand). Cytogenetic location: 16p13.3.
Variant type: single nucleotide variant.
Coding change: c.351G>C on transcript NM_000548.5 (MANE Select); coding-DNA position 351, G replaced by C.
Protein change: p.Gly117=; no amino-acid change (glycine 117 retained).
Molecular consequence: synonymous variant. On other transcripts: 5 prime UTR variant (14), non-coding transcript variant (5), intron variant (6).
Genome position (GRCh38, 1-based): chr16:2,054,310, G>C. VCF-style: chr16-2054310-G-C. GRCh37 (hg19) VCF-style: chr16-2104311-G-C.
Other names: c.351G>C, p.Gly117= (NM_001077183.3, NM_001114382.3, NM_001363528.2 and 8 more transcripts); c.240G>C, p.Gly80= (NM_001318827.2, NM_001406670.1, NM_001406678.1); c.204G>C, p.Gly68= (NM_001318829.2, NM_001406675.1, NM_001406676.1 and 1 more transcripts); c.384G>C, p.Gly128= (NM_001318832.2); c.441G>C, p.Gly147= (NM_001406667.1, NM_001406668.1); c.294G>C, p.Gly98= (NM_001406677.1); c.-466G>C (NM_001406680.1, NM_001406683.1, NM_001406687.1); c.-95G>C (NM_001406681.1); and 6 more.
Identifiers: ClinVar variation 2894645 (VCV002894645.5), dbSNP rs1555497554, ClinGen allele CA492955347.

ClinVar aggregate classification (germline): Benign/Likely benign. Review status: criteria provided, multiple submitters, no conflicts (2 of 4 stars). 3 submissions from 3 submitters: Benign (1); Likely benign (2). Last evaluated 2026-03-12.

Conditions:
Tuberous sclerosis 2 (TSC2). Identifiers: Orphanet 805, MedGen C1860707, MONDO:0013199, OMIM 613254.
Hereditary cancer-predisposing syndrome. Also called: Tumor predisposition; Neoplastic Syndromes, Hereditary; Hereditary Cancer Syndrome; Hereditary neoplastic syndrome. Identifiers: Orphanet 140162, MedGen C0027672, MeSH D009386, MONDO:0015356.

Submissions (3):

Ambry Genetics
Classification: Likely benign for Hereditary cancer-predisposing syndrome. Last evaluated: 2026-03-12. Review status: criteria provided, single submitter. Criteria: Ambry Variant Classification Scheme 2023. Collection method: clinical testing. Allele origin: germline.

Myriad Genetics, Inc.
Classification: Benign for Tuberous sclerosis 2. Last evaluated: 2025-05-02. Review status: criteria provided, single submitter. Criteria: Myriad Autosomal Dominant, Autosomal Recessive and X-Linked Classification Criteria (2023). Collection method: clinical testing. Allele origin: unknown.
Comment: This variant is considered benign. This variant is a silent/synonymous amino acid change and it is not expected to impact splicing.

Labcorp Genetics (formerly Invitae), Labcorp
Classification: Likely benign for Tuberous sclerosis 2. Last evaluated: 2024-11-03. Review status: criteria provided, single submitter. Criteria: Invitae Variant Classification Sherloc (09022015). Collection method: clinical testing. Allele origin: germline.